The following is an entry in ClinVar:

ClinVar aggregate classification (germline): Benign. Review status: criteria provided, multiple submitters, no conflicts (2 of 4 stars). 6 submissions from 6 submitters: Benign (6). Last evaluated 2026-09-01.

Conditions:
Immunodeficiency, common variable, 7. Identifiers: Orphanet 1572, Orphanet 696894, MedGen C3542922, MONDO:0013862, OMIM 614699.

Allele frequency attached by ClinVar (database versions not stated): gnomAD exomes 0.01422 and 0.01515; ExAC 0.01529; 1000 Genomes Project 0.01697; 1000 Genomes Project 30x 0.01811; gnomAD 0.02017 and 0.02179; ESP Exome Variant Server 0.02045; TOPMed 0.02048.
gnomAD v4.1: 24,091 of 1,613,944 alleles (1.5%); highest among the groups gnomAD compares: African/African-American, 3.3%; 253 homozygotes.

Submissions (6):

CeGaT Center for Human Genetics Tuebingen
Classification: Benign. Last evaluated: 2026-09-01. Review status: criteria provided, single submitter. Criteria: CeGaT Center For Human Genetics Tuebingen Variant Classification Criteria Version 2. Collection method: clinical testing. Allele origin: germline. Affected: yes. Observed: 11 variant alleles.
Comment: CR2: BP4, BP7, BS1, BS2

Labcorp Genetics (formerly Invitae), Labcorp
Classification: Benign for Immunodeficiency, common variable, 7. Last evaluated: 2026-02-03. Review status: criteria provided, single submitter. Criteria: Invitae Variant Classification Sherloc (09022015). Collection method: clinical testing. Allele origin: germline.

Women's Health and Genetics/Laboratory Corporation of America, LabCorp
Classification: Benign. Last evaluated: 2026-01-22. Review status: criteria provided, single submitter. Criteria: LabCorp Variant Classification Summary - May 2015. Collection method: clinical testing. Allele origin: germline.

ARUP Laboratories, Molecular Genetics and Genomics, ARUP Laboratories
Classification: Benign. Last evaluated: 2025-07-25. Review status: criteria provided, single submitter. Criteria: ARUP Molecular Germline Variant Investigation Process 2024. Collection method: clinical testing. Allele origin: germline.

Genome-Nilou Lab
Classification: Benign for Immunodeficiency, common variable, 7. Last evaluated: 2023-04-11. Review status: criteria provided, single submitter. Criteria: ACMG Guidelines, 2015. Collection method: clinical testing. Allele origin: germline. Affected: no.

Breakthrough Genomics
Classification: Benign. Review status: criteria provided, single submitter. Criteria: ACMG Guidelines, 2015. Collection method: not provided. Allele origin: germline. Inheritance: Autosomal recessive inheritance. Affected: yes.

NM_001006658.3(CR2):c.1617C>T (p.Thr539=)

Gene: CR2 (complement C3d receptor 2; plus strand). Cytogenetic location: 1q32.2.
Variant type: single nucleotide variant.
Coding change: c.1617C>T on transcript NM_001006658.3 (MANE Select); coding-DNA position 1617, C replaced by T.
Protein change: p.Thr539=; no amino-acid change (threonine 539 retained).
Molecular consequence: synonymous variant.
Genome position (GRCh38, 1-based): chr1:207,472,818, C>T. VCF-style: chr1-207472818-C-T. GRCh37 (hg19) VCF-style: chr1-207646163-C-T.
Other names: c.1617C>T, p.Thr539= (NM_001877.5).
Identifiers: ClinVar variation 473095 (VCV000473095.38), dbSNP rs34349246, ClinGen allele CA1368777.